The following is an entry in ClinVar:

NM_020975.6(RET):c.1353G>T (p.Thr451=)

Gene: RET (ret proto-oncogene; plus strand). Cytogenetic location: 10q11.21.
Variant type: single nucleotide variant.
Coding change: c.1353G>T on transcript NM_020975.6 (MANE Select); coding-DNA position 1353, G replaced by T.
Protein change: p.Thr451=; no amino-acid change (threonine 451 retained).
Molecular consequence: synonymous variant. On other transcripts: intron variant (15).
Genome position (GRCh38, 1-based): chr10:43,111,296, G>T. VCF-style: chr10-43111296-G-T. GRCh37 (hg19) VCF-style: chr10-43606744-G-T.
Other names: c.1353G>T, p.Thr451= (NM_000323.2, NM_001406743.1, NM_001406744.1 and 6 more transcripts); c.591G>T, p.Thr197= (NM_001355216.2); c.1224G>T, p.Thr408= (NM_001406761.1, NM_001406762.1, NM_001406764.1 and 1 more transcripts); c.1065G>T, p.Thr355= (NM_001406766.1, NM_001406767.1, NM_001406770.1); c.957G>T, p.Thr319= (NM_001406769.1, NM_001406772.1); c.915G>T, p.Thr305= (NM_001406771.1, NM_001406773.1); c.828G>T, p.Thr276= (NM_001406774.1); c.627G>T, p.Thr209= (NM_001406775.1, NM_001406776.1, NM_001406777.1 and 1 more transcripts); and 5 more.
Identifiers: ClinVar variation 413457 (VCV000413457.23), dbSNP rs201568301, ClinGen allele CA033231.

ClinVar aggregate classification (germline): Benign/Likely benign. Review status: criteria provided, multiple submitters, no conflicts (2 of 4 stars). 10 submissions from 7 submitters: Benign (2); Likely benign (8). Last evaluated 2026-01-29.

Conditions:
Hirschsprung disease, susceptibility to, 1 (HSCR1). Also called: RET-Related Hirschsprung Disease. Identifiers: Orphanet 388, MedGen C3888239, MONDO:0007723, OMIM 142623.
Pheochromocytoma. Also called: MAX-Related Hereditary Paraganglioma-Pheochromocytoma Syndrome. Identifiers: Orphanet 29072, MedGen C0031511, MONDO:0008233, OMIM 171300, HP:0002666.
Multiple endocrine neoplasia, type 2 (MEN2). Identifiers: Orphanet 653, MedGen C4048306, MONDO:0019003. Disease mechanism: gain of function.
Renal hypodysplasia/aplasia 1 (RHDA1). Also called: RENAL APLASIA; HEREDITARY RENAL APLASIA. Identifiers: Orphanet 411709, MedGen C1619700, MONDO:0024519, OMIM 191830.
RET-related disorder. Also called: RET-related condition; RET-related disease; RET-related disorders.
Multiple endocrine neoplasia. Identifiers: Orphanet 276161, MedGen C0027662, MONDO:0017169.
Hereditary cancer-predisposing syndrome. Also called: Tumor predisposition; Hereditary Cancer Syndrome; Hereditary neoplastic syndrome; Neoplastic Syndromes, Hereditary. Identifiers: Orphanet 140162, MedGen C0027672, MeSH D009386, MONDO:0015356.

Allele frequency attached by ClinVar (database versions not stated): gnomAD 0.00010; TOPMed 0.00010; 1000 Genomes Project 30x 0.00016; 1000 Genomes Project 0.00020.
gnomAD v4.1: 22 of 1,614,166 alleles (0.0014%); highest among the groups gnomAD compares: East Asian, 0.04%; no homozygotes.

Submissions (10):

Labcorp Genetics (formerly Invitae), Labcorp
Classification: Likely benign for Multiple endocrine neoplasia, type 2. Last evaluated: 2026-01-29. Review status: criteria provided, single submitter. Criteria: Invitae Variant Classification Sherloc (09022015). Collection method: clinical testing. Allele origin: germline.

PreventionGenetics, part of Exact Sciences
Classification: Likely benign for RET-related condition. Last evaluated: 2026-01-24. Review status: criteria provided, single submitter. Criteria: ACMG Guidelines, 2015. Collection method: clinical testing. Allele origin: germline.
Comment: This variant is classified as likely benign based on ACMG/AMP sequence variant interpretation guidelines (Richards et al. 2015 PMID: 25741868, with internal and published modifications).

Quest Diagnostics Nichols Institute San Juan Capistrano
Classification: Benign. Last evaluated: 2025-07-08. Review status: criteria provided, single submitter. Criteria: Quest Diagnostics criteria. Collection method: clinical testing. Allele origin: unknown.

Color Diagnostics, LLC DBA Color Health
Classification: Likely benign for Multiple endocrine neoplasia, type 2. Last evaluated: 2023-08-24. Review status: criteria provided, single submitter. Criteria: ACMG Guidelines, 2015. Collection method: clinical testing. Allele origin: germline.

Blueprint Genetics
Classification: Likely benign. Last evaluated: 2019-03-01. Review status: criteria provided, single submitter. Criteria: ACMG Guidelines, 2015. Collection method: clinical testing. Allele origin: germline.

Ambry Genetics
Classification: Likely benign for Hereditary cancer-predisposing syndrome. Last evaluated: 2019-01-09. Review status: criteria provided, single submitter. Criteria: Ambry Variant Classification Scheme 2023. Collection method: clinical testing. Allele origin: germline.

Illumina Laboratory Services, Illumina
Classification: Likely benign for Renal hypodysplasia/aplasia 1. Last evaluated: 2017-04-28. Review status: criteria provided, single submitter. Criteria: ICSL Variant Classification Criteria 13 December 2019. Collection method: clinical testing. Allele origin: germline.
Comment: This variant was observed as part of a predisposition screen in an ostensibly healthy population. A literature search was performed for the gene, cDNA change, and amino acid change (where applicable). Publications were found based on this search. The evidence from the literature, in combination with allele frequency data from public databases where available, was sufficient to determine this variant is unlikely to cause disease. Therefore, this variant is classified as likely benign.

Illumina Laboratory Services, Illumina
Classification: Likely benign for Hirschsprung disease, susceptibility to, 1. Last evaluated: 2017-04-28. Review status: criteria provided, single submitter. Criteria: ICSL Variant Classification Criteria 13 December 2019. Collection method: clinical testing. Allele origin: germline.
Comment: the same text as in the submission from Illumina Laboratory Services, Illumina above.

Illumina Laboratory Services, Illumina
Classification: Benign for Multiple endocrine neoplasia. Last evaluated: 2017-04-28. Review status: criteria provided, single submitter. Criteria: ICSL Variant Classification Criteria 13 December 2019. Collection method: clinical testing. Allele origin: germline.
Comment: This variant was observed as part of a predisposition screen in an ostensibly healthy population. A literature search was performed for the gene, cDNA change, and amino acid change (where applicable). Publications were found based on this search. The evidence from the literature, in combination with allele frequency data from public databases where available, was sufficient to rule this variant out of causing disease. Therefore, this variant is classified as benign.

Illumina Laboratory Services, Illumina
Classification: Likely benign for Pheochromocytoma. Last evaluated: 2017-04-28. Review status: criteria provided, single submitter. Criteria: ICSL Variant Classification Criteria 13 December 2019. Collection method: clinical testing. Allele origin: germline.
Comment: the same text as in the submission from Illumina Laboratory Services, Illumina above.

Literature cited by the submitters: PubMed 21490379 (cited by Illumina Laboratory Services, Illumina).